The following is an entry in ClinVar:

ClinVar aggregate classification (germline): Pathogenic (1 of 4 stars; one submission).

Submission:

Labcorp Genetics (formerly Invitae), Labcorp
Classification: Pathogenic. Last evaluated: 2021-06-20. Review status: criteria provided, single submitter. Criteria: Invitae Variant Classification Sherloc (09022015). Collection method: clinical testing. Allele origin: germline.
Comment: This variant disrupts the triple helix domain of COL4A5. Glycine residues within the Gly-Xaa-Yaa repeats of the triple helix domain are required for the structure and stability of fibrillar collagens (PMID: 7695699, 8218237, 19344236). In COL4A5, missense variants at these glycine residues are significantly enriched in individuals with disease (PMID: 23720012, 27627812) compared to the general population (ExAC). Nucleotide substitutions within the consensus splice site are a relatively common cause of aberrant splicing (PMID: 17576681, 9536098). Algorithms developed to predict the effect of missense changes on protein structure and function are either unavailable or do not agree on the potential impact of this missense change (SIFT: "Deleterious"; PolyPhen-2: "Not Available"; Align-GVGD: "Class C65"). This variant has been observed in individual(s) with clinical features of Alport syndrome (PMID: 28632965). This variant is not present in population databases (ExAC no frequency). This sequence change replaces glycine with arginine at codon 1036 of the COL4A5 protein (p.Gly1036Arg). The glycine residue is highly conserved and there is a moderate physicochemical difference between glycine and arginine. This variant also falls at the last nucleotide of exon 35, which is part of the consensus splice site for this exon. For these reasons, this variant has been classified as Pathogenic.

Literature cited by the submitters: PubMed 7695699; PubMed 8218237; PubMed 19344236; PubMed 23720012; PubMed 27627812; PubMed 17576681; PubMed 9536098; PubMed 28632965.

NM_033380.3(COL4A5):c.3106G>C (p.Gly1036Arg)

Gene: COL4A5 (collagen type IV alpha 5 chain; plus strand). Cytogenetic location: Xq22.3.
Variant type: single nucleotide variant.
Coding change: c.3106G>C on transcript NM_033380.3 (MANE Select); coding-DNA position 3106, G replaced by C.
Protein change: p.Gly1036Arg; replaces glycine 1036 with arginine.
Molecular consequence: missense variant.
Genome position (GRCh38, 1-based): chrX:108,625,794, G>C. VCF-style: chrX-108625794-G-C. GRCh37 (hg19) VCF-style: chrX-107869024-G-C.
Other names: c.3106G>C, p.Gly1036Arg (NM_000495.5); short protein forms G1036R.
Identifiers: ClinVar variation 1440595 (VCV001440595.8), dbSNP rs2147872357, ClinGen allele CA413854797.